The following is an entry in ClinVar:

ClinVar aggregate classification (germline): Benign/Likely benign. Review status: criteria provided, multiple submitters, no conflicts (2 of 4 stars). 3 submissions from 3 submitters: Benign (1); Likely benign (1). 1 of the submissions does not count toward it. Last evaluated 2024-11-05.

Conditions:
Rubinstein-Taybi syndrome due to EP300 haploinsufficiency. Also called: RUBINSTEIN-TAYBI SYNDROME 2; EP300-Related Rubinstein-Taybi Syndrome. Identifiers: Orphanet 353284, Orphanet 783, MedGen C3150941, MONDO:0013364, OMIM 613684.
EP300-related disorder. Also called: EP300-related disorders; EP300-related condition.

Allele frequency attached by ClinVar (database versions not stated): gnomAD exomes 0.00001 and 0.00004; ExAC 0.00005; TOPMed 0.00014; ESP Exome Variant Server 0.00015; gnomAD 0.00018 and 0.00020.
gnomAD v4.1: 43 of 1,613,536 alleles (0.0027%); highest among the groups gnomAD compares: African/African-American, 0.053%; no homozygotes.

Submissions (3):

Labcorp Genetics (formerly Invitae), Labcorp
Classification: Benign for Rubinstein-Taybi syndrome due to EP300 haploinsufficiency. Last evaluated: 2024-11-05. Review status: criteria provided, single submitter. Criteria: Invitae Variant Classification Sherloc (09022015). Collection method: clinical testing. Allele origin: germline.

GeneDx
Classification: Likely benign. Last evaluated: 2020-05-29. Review status: criteria provided, single submitter. Criteria: GeneDx Variant Classification Process June 2021. Collection method: clinical testing. Allele origin: germline. Affected: yes.

PreventionGenetics, part of Exact Sciences
Classification: Likely benign for EP300-related condition. Last evaluated: 2022-09-29. Review status: no assertion criteria provided. Collection method: clinical testing. Allele origin: germline. Not counted in ClinVar's aggregate classification.
Comment: This variant is classified as likely benign based on ACMG/AMP sequence variant interpretation guidelines (Richards et al. 2015 PMID: 25741868, with internal and published modifications).

NM_001429.4(EP300):c.1608C>A (p.Ala536=)

Gene: EP300 (EP300 lysine acetyltransferase; plus strand). Cytogenetic location: 22q13.2.
Variant type: single nucleotide variant.
Coding change: c.1608C>A on transcript NM_001429.4 (MANE Select); coding-DNA position 1608, C replaced by A.
Protein change: p.Ala536=; no amino-acid change (alanine 536 retained).
Molecular consequence: synonymous variant.
Genome position (GRCh38, 1-based): chr22:41,135,892, C>A. VCF-style: chr22-41135892-C-A. GRCh37 (hg19) VCF-style: chr22-41531896-C-A.
Other names: c.1608C>A, p.Ala536= (NM_001362843.2).
Identifiers: ClinVar variation 1195104 (VCV001195104.6), dbSNP rs370568560, ClinGen allele CA10252561.